The following is an entry in ClinVar:

NM_004360.5(CDH1):c.1566-9C>A

Gene: CDH1 (cadherin 1; plus strand). Cytogenetic location: 16q22.1.
Variant type: single nucleotide variant.
Coding change: c.1566-9C>A on transcript NM_004360.5 (MANE Select); 9 bases into the intron before coding-DNA position 1566, C replaced by A.
Molecular consequence: intron variant.
Genome position (GRCh38, 1-based): chr16:68,819,271, C>A. VCF-style: chr16-68819271-C-A. GRCh37 (hg19) VCF-style: chr16-68853174-C-A.
Other names: c.1566-9C>A (LRG_301t1); c.18-9C>A (NM_001317185.2); c.-254-2730C>A (NM_001317186.2); c.1383-9C>A (NM_001317184.2).
Identifiers: ClinVar variation 633151 (VCV000633151.3), dbSNP rs1555516509, ClinGen allele CA913190511.

ClinVar aggregate classification (germline): Uncertain significance. Review status: criteria provided, multiple submitters, no conflicts (2 of 4 stars). 2 submissions from 2 submitters: Uncertain significance (2). Last evaluated 2021-11-16.

Conditions:
Hereditary cancer-predisposing syndrome. Also called: Tumor predisposition; Neoplastic Syndromes, Hereditary; Hereditary neoplastic syndrome; Hereditary Cancer Syndrome. Identifiers: Orphanet 140162, MedGen C0027672, MeSH D009386, MONDO:0015356.

Submissions (2):

Color Diagnostics, LLC DBA Color Health
Classification: Uncertain significance for Hereditary cancer-predisposing syndrome. Last evaluated: 2021-11-16. Review status: criteria provided, single submitter. Criteria: ACMG Guidelines, 2015. Collection method: clinical testing. Allele origin: germline.
Comment: This variant causes a C to A nucleotide substitution at the -9 position of intron 10 of the CDH1 gene. Splice site prediction tools predict that this variant may have a significant impact on RNA splicing. To our knowledge, RNA studies have not been reported for this variant. This variant has not been reported in individuals affected with hereditary cancer in the literature. This variant has not been identified in the general population by the Genome Aggregation Database (gnomAD). The available evidence is insufficient to determine the role of this variant in disease conclusively. Therefore, this variant is classified as a Variant of Uncertain Significance.

Women's Health and Genetics/Laboratory Corporation of America, LabCorp
Classification: Uncertain significance. Last evaluated: 2018-04-24. Review status: criteria provided, single submitter. Criteria: LabCorp Variant Classification Summary - May 2015. Collection method: clinical testing. Allele origin: germline.
Comment: Variant summary: CDH1 c.1566-9C>A alters a non-conserved nucleotide located close to a canonical splice site and therefore could affect mRNA splicing, leading to a significantly altered protein sequence. 5/5 computational tools predict no significant impact on normal splicing. However, these predictions have yet to be confirmed by functional studies. The variant was absent in 121390 control chromosomes. The available data on variant occurrences in the general population are insufficient to allow any conclusion about variant significance. To our knowledge, no occurrence of c.1566-9C>A in individuals affected with Hereditary Diffuse Gastric Cancer and no experimental evidence demonstrating its impact on protein function have been reported. No clinical diagnostic laboratories have submitted clinical-significance assessments for this variant to ClinVar after 2014. Based on the evidence outlined above, the variant was classified as uncertain significance.